The following is an entry in ClinVar:

NM_000051.4(ATM):c.1964C>T (p.Thr655Ile)

Gene: ATM (ATM serine/threonine kinase; plus strand). Cytogenetic location: 11q22.3.
Variant type: single nucleotide variant.
Coding change: c.1964C>T on transcript NM_000051.4 (MANE Select); coding-DNA position 1964, C replaced by T.
Protein change: p.Thr655Ile; replaces threonine 655 with isoleucine.
Molecular consequence: missense variant.
Genome position (GRCh38, 1-based): chr11:108,253,879, C>T. VCF-style: chr11-108253879-C-T. GRCh37 (hg19) VCF-style: chr11-108124606-C-T.
Other names: c.1964C>T, p.Thr655Ile (NM_001351834.2); short protein forms T655I.
Identifiers: ClinVar variation 834147 (VCV000834147.16), dbSNP rs2080299187, ClinGen allele CA382536794.

ClinVar aggregate classification (germline): Uncertain significance. Review status: criteria provided, multiple submitters, no conflicts (2 of 4 stars). 3 submissions from 3 submitters: Uncertain significance (3). Last evaluated 2024-03-06.

Conditions:
Ataxia-telangiectasia syndrome (AT). Also called: Ataxia-telangiectasia, complementation group E; Ataxia telangiectasia (A-T); LOUIS-BAR SYNDROME; Ataxia-telangiectasia, complementation group D; AT, COMPLEMENTATION GROUP C; Ataxia-telangiectasia. Identifiers: Orphanet 100, MedGen C0004135, MONDO:0008840, OMIM 208900.
Hereditary cancer-predisposing syndrome. Also called: Neoplastic Syndromes, Hereditary; Hereditary neoplastic syndrome; Tumor predisposition; Hereditary Cancer Syndrome. Identifiers: Orphanet 140162, MedGen C0027672, MeSH D009386, MONDO:0015356.

Submissions (3):

Color Diagnostics, LLC DBA Color Health
Classification: Uncertain significance for Hereditary cancer-predisposing syndrome. Last evaluated: 2024-03-06. Review status: criteria provided, single submitter. Criteria: ACMG Guidelines, 2015. Collection method: clinical testing. Allele origin: germline.
Comment: This missense variant replaces threonine with isoleucine at codon 655 of the ATM protein. Computational prediction suggests that this variant may not impact protein structure and function (internally defined REVEL score threshold <= 0.5, PMID: 27666373). Splice site prediction tools suggest that this variant may not impact RNA splicing. To our knowledge, functional studies have not been performed for this variant. This variant has not been reported in individuals affected with hereditary cancer in the literature. This variant has not been identified in the general population by the Genome Aggregation Database (gnomAD). The available evidence is insufficient to determine the role of this variant in disease conclusively. Therefore, this variant is classified as a Variant of Uncertain Significance.

Labcorp Genetics (formerly Invitae), Labcorp
Classification: Uncertain significance for Ataxia-telangiectasia syndrome. Last evaluated: 2023-12-10. Review status: criteria provided, single submitter. Criteria: Invitae Variant Classification Sherloc (09022015). Collection method: clinical testing. Allele origin: germline.
Comment: This sequence change replaces threonine, which is neutral and polar, with isoleucine, which is neutral and non-polar, at codon 655 of the ATM protein (p.Thr655Ile). This variant is not present in population databases (gnomAD no frequency). This variant has not been reported in the literature in individuals affected with ATM-related conditions. ClinVar contains an entry for this variant (Variation ID: 834147). An algorithm developed to predict the effect of missense changes on protein structure and function (PolyPhen-2) suggests that this variant is likely to be disruptive. In summary, the available evidence is currently insufficient to determine the role of this variant in disease. Therefore, it has been classified as a Variant of Uncertain Significance.

Ambry Genetics
Classification: Uncertain significance for Hereditary cancer-predisposing syndrome. Last evaluated: 2021-06-15. Review status: criteria provided, single submitter. Criteria: Ambry Variant Classification Scheme 2023. Collection method: clinical testing. Allele origin: germline.
Comment: The p.T655I variant (also known as c.1964C>T), located in coding exon 12 of the ATM gene, results from a C to T substitution at nucleotide position 1964. The threonine at codon 655 is replaced by isoleucine, an amino acid with similar properties. This amino acid position is conserved. In addition, this alteration is predicted to be tolerated by in silico analysis. Since supporting evidence is limited at this time, the clinical significance of this alteration remains unclear.